The following is an entry in ClinVar:

ClinVar aggregate classification (germline): Likely benign. Review status: criteria provided, multiple submitters, no conflicts (2 of 4 stars). 2 submissions from 2 submitters: Likely benign (2). Last evaluated 2026-06-12.

Conditions:
DNAH14-related disorder. Also called: DNAH14-related condition.

Submissions (2):

PreventionGenetics, part of Exact Sciences
Classification: Likely benign for DNAH14-related condition. Last evaluated: 2026-06-12. Review status: criteria provided, single submitter. Criteria: ACMG Guidelines, 2015. Collection method: clinical testing. Allele origin: germline.
Comment: This variant is classified as likely benign based on ACMG/AMP sequence variant interpretation guidelines (Richards et al. 2015 PMID: 25741868, with internal and published modifications).

CeGaT Center for Human Genetics Tuebingen
Classification: Likely benign. Last evaluated: 2026-04-01. Review status: criteria provided, single submitter. Criteria: CeGaT Center For Human Genetics Tuebingen Variant Classification Criteria Version 2. Collection method: clinical testing. Allele origin: germline. Affected: yes. Observed: 2 variant alleles.
Comment: DNAH14: BS1

NM_001367479.1(DNAH14):c.4255-31AT[6]

Gene: DNAH14 (dynein axonemal heavy chain 14; plus strand). Cytogenetic location: 1q42.12.
Variant type: Microsatellite.
Coding change: c.4255-31AT[6] on transcript NM_001367479.1 (MANE Select); six copies in a row of the 2-base unit AT starting at c.4255-31.
Molecular consequence: intron variant.
Genome position: GRCh38 VCF-style: chr1-225140736-G-GAT. GRCh37 (hg19) VCF-style: chr1-225328438-G-GAT.
Other names: NM_001373.1:c.4182_4183dupTA.
Identifiers: ClinVar variation 3778050 (VCV003778050.8).